The following is an entry in ClinVar:

ClinVar aggregate classification (germline): Uncertain significance. Review status: criteria provided, multiple submitters, no conflicts (2 of 4 stars). 2 submissions from 2 submitters: Uncertain significance (2). Last evaluated 2026-02-03.

Conditions:
Cardiovascular phenotype. Identifiers: MedGen CN230736.

Allele frequency attached by ClinVar (database versions not stated): gnomAD exomes below 0.00001; TOPMed 0.00001.
gnomAD v4.1: 5 of 1,547,214 alleles (0.00032%); highest among the groups gnomAD compares: Non-Finnish European, 0.00026%; no homozygotes.

Submissions (2):

Women's Health and Genetics/Laboratory Corporation of America, LabCorp
Classification: Uncertain significance. Last evaluated: 2026-02-03. Review status: criteria provided, single submitter. Criteria: LabCorp Variant Classification Summary - May 2015. Collection method: clinical testing. Allele origin: germline.
Comment: Variant summary: ZNF469 c.4817C>T (p.Pro1606Leu) results in a non-conservative amino acid change in the encoded protein sequence. Algorithms developed to predict the effect of missense changes on protein structure and function are either unavailable or do not agree on the potential impact of this missense change. The variant was absent in 148744 control chromosomes. The available data on variant occurrences in the general population are insufficient to allow any conclusion about variant significance. To our knowledge, no occurrence of c.4817C>T in individuals affected with ZNF469-related conditions and no experimental evidence demonstrating its impact on protein function have been reported. ClinVar contains an entry for this variant (Variation ID: 1742729). Based on the evidence outlined above, the variant was classified as uncertain significance.

Ambry Genetics
Classification: Uncertain significance for Cardiovascular phenotype. Last evaluated: 2025-05-18. Review status: criteria provided, single submitter. Criteria: Ambry Variant Classification Scheme 2023. Collection method: clinical testing. Allele origin: germline.

NM_001367624.2(ZNF469):c.4817C>T (p.Pro1606Leu)

Gene: ZNF469 (zinc finger protein 469; plus strand). Cytogenetic location: 16q24.2.
Variant type: single nucleotide variant.
Coding change: c.4817C>T on transcript NM_001367624.2 (MANE Select); coding-DNA position 4817, C replaced by T.
Protein change: p.Pro1606Leu; replaces proline 1606 with leucine.
Molecular consequence: missense variant.
Genome position (GRCh38, 1-based): chr16:88,432,287, C>T. VCF-style: chr16-88432287-C-T. GRCh37 (hg19) VCF-style: chr16-88498695-C-T.
Other names: NM_001127464.1:c.4733C>T; short protein forms P1606L.
Identifiers: ClinVar variation 1742729 (VCV001742729.5), dbSNP rs1906252448, ClinGen allele CA397093670.